The following is an entry in ClinVar:

NM_000206.3(IL2RG):c.809T>C (p.Met270Thr)

Gene: IL2RG (interleukin 2 receptor subunit gamma; minus strand). Cytogenetic location: Xq13.1.
Variant type: single nucleotide variant.
Coding change: c.809T>C on transcript NM_000206.3 (MANE Select); coding-DNA position 809, T replaced by C.
Protein change: p.Met270Thr; replaces methionine 270 with threonine.
Molecular consequence: missense variant.
Genome position (GRCh38, 1-based): chrX:71,108,644, A>G on the plus strand (T>C on the coding strand, the complement: IL2RG is on the minus strand). VCF-style: chrX-71108644-A-G. GRCh37 (hg19) VCF-style: chrX-70328494-A-G.
Other names: short protein forms M270T.
Identifiers: ClinVar variation 3343653 (VCV003343653.1).
Genomic context (GRCh38, chrX:71,108,644, plus strand): 5'-TTCTCCAAATCTCACCGTTCCAGCCAGAAATACACACAGAGAAGGCTGATAATCAATCCC[A>G]TGGAGCCAACAGAGATAACCACGGCTTCCAATGCAAACAGGAAAGGATTCTCTATAGAAA-3'
Protein context (NP_000197.1, residues 260-280): LEAVVISVGS[Met270Thr]GLIISLLCVY

ClinVar aggregate classification (germline): Uncertain significance (1 of 4 stars; one submission).

Submission:

GeneDx
Classification: Uncertain significance. Last evaluated: 2023-05-22. Review status: criteria provided, single submitter. Criteria: GeneDx Variant Classification Process June 2021. Collection method: clinical testing. Allele origin: germline. Affected: yes.
Comment: Not observed at significant frequency in large population cohorts (gnomAD); In silico analysis supports that this missense variant does not alter protein structure/function; Has not been previously published as pathogenic or benign to our knowledge